The following is an entry in ClinVar:

ClinVar aggregate classification (germline): Likely benign. Review status: criteria provided, multiple submitters, no conflicts (2 of 4 stars). 3 submissions from 3 submitters: Likely benign (3). Last evaluated 2023-11-20.

Conditions:
Malignant hyperthermia, susceptibility to, 1 (MHS1). Also called: RYR1-Related Malignant Hyperthermia Susceptibility; Anesthesia related hyperthermia; Malignant hyperpyrexia; Fulminating hyperpyrexia; Pharmacogenic myopathy; Malignant hyperthermia suceptibility 1. Identifiers: Orphanet 423, MedGen C2930980, MONDO:0007783, OMIM 145600.
RYR1-related disorder. Also called: RYR1-related disorders; RYR1-related condition. Identifiers: MedGen CN239331.

gnomAD v4.1: 4 of 1,613,926 alleles (0.00025%); highest among the groups gnomAD compares: Admixed American, 0.0067%; no homozygotes.

Submissions (3):

All of Us Research Program, National Institutes of Health
Classification: Likely benign for Malignant hyperthermia, susceptibility to, 1. Last evaluated: 2023-11-20. Review status: criteria provided, single submitter. Criteria: ACMG Guidelines, 2015. Collection method: clinical testing. Allele origin: germline. Inheritance: Autosomal dominant inheritance. Observed: 1 variant allele, 1 heterozygote.
Comment: This study involves interpretation of variants in research participants for the purpose of population health screening. Participant phenotype was not available at the time of variant classification. Additional details can be found in publication PMID: 35346344, PMCID: PMC8962531

Color Diagnostics, LLC DBA Color Health
Classification: Likely benign for Malignant hyperthermia, susceptibility to, 1. Last evaluated: 2023-11-01. Review status: criteria provided, single submitter. Criteria: ACMG Guidelines, 2015. Collection method: clinical testing. Allele origin: germline.

Labcorp Genetics (formerly Invitae), Labcorp
Classification: Likely benign for RYR1-related disorder. Last evaluated: 2023-10-27. Review status: criteria provided, single submitter. Criteria: Invitae Variant Classification Sherloc (09022015). Collection method: clinical testing. Allele origin: germline.

NM_000540.3(RYR1):c.11091C>A (p.Pro3697=)

Gene: RYR1 (ryanodine receptor 1; plus strand). Cytogenetic location: 19q13.2.
Variant type: single nucleotide variant.
Coding change: c.11091C>A on transcript NM_000540.3 (MANE Select); coding-DNA position 11091, C replaced by A.
Protein change: p.Pro3697=; no amino-acid change (proline 3697 retained).
Molecular consequence: synonymous variant.
Genome position (GRCh38, 1-based): chr19:38,529,007, C>A. VCF-style: chr19-38529007-C-A. GRCh37 (hg19) VCF-style: chr19-39019647-C-A.
Other names: c.11076C>A, p.Pro3692= (NM_001042723.2).
Identifiers: ClinVar variation 1156485 (VCV001156485.11), dbSNP rs201296563, ClinGen allele CA507238005.
Genomic context (GRCh38, chr19:38,529,007, plus strand): 5'-CCAGAAAGCTGGGGAGCAGGAGGAGGAGGAGGAAGAGGTGGAAGAGAAGAAGCCAGACCC[C>A]CTGCACCAGTTGGTCCTGCACTTCAGCCGCACTGCCCTGACGGAAAAGAGGTGAAGACTC-3'
Protein context (NP_000531.2, residues 3687-3707): EEEVEEKKPD[Pro3697=]LHQLVLHFSR